The following is an entry in ClinVar:

NM_017950.4(CCDC40):c.974A>G (p.Gln325Arg)

Gene: CCDC40 (coiled-coil domain 40 molecular ruler complex subunit; plus strand). Cytogenetic location: 17q25.3.
Variant type: single nucleotide variant.
Coding change: c.974A>G on transcript NM_017950.4 (MANE Select); coding-DNA position 974, A replaced by G.
Protein change: p.Gln325Arg; replaces glutamine 325 with arginine.
Molecular consequence: missense variant.
Genome position (GRCh38, 1-based): chr17:80,050,098, A>G. VCF-style: chr17-80050098-A-G. GRCh37 (hg19) VCF-style: chr17-78023897-A-G.
Other names: c.974A>G, p.Gln325Arg (NM_001243342.2, NM_001330508.2); short protein forms Q325R.
Identifiers: ClinVar variation 1768065 (VCV001768065.2), dbSNP rs1287804210, ClinGen allele CA401355095.

ClinVar aggregate classification (germline): Uncertain significance (1 of 4 stars; one submission).

Conditions:
Primary ciliary dyskinesia. Also called: Ciliary dyskinesia. Identifiers: Orphanet 244, MedGen C0008780, MONDO:0016575, HP:0012265.

Allele frequency attached by ClinVar (database versions not stated): gnomAD exomes below 0.00001; gnomAD 0.00001.
gnomAD v4.1: 2 of 1,613,972 alleles (0.00012%); highest among the groups gnomAD compares: Admixed American, 0.0017%; no homozygotes.

Submission:

Ambry Genetics
Classification: Uncertain significance for Primary ciliary dyskinesia. Last evaluated: 2021-07-07. Review status: criteria provided, single submitter. Criteria: Ambry Variant Classification Scheme 2023. Collection method: clinical testing. Allele origin: germline.
Comment: The p.Q325R variant (also known as c.974A>G), located in coding exon 7 of the CCDC40 gene, results from an A to G substitution at nucleotide position 974. The glutamine at codon 325 is replaced by arginine, an amino acid with highly similar properties. This amino acid position is conserved. In addition, this alteration is predicted to be tolerated by in silico analysis. Since supporting evidence is limited at this time, the clinical significance of this alteration remains unclear.